The following is an entry in ClinVar:

NM_022765.4(MICAL1):c.1855+5C>T

Gene: MICAL1 (microtubule associated monooxygenase, calponin and LIM domain containing 1; minus strand). Cytogenetic location: 6q21.
Variant type: single nucleotide variant.
Coding change: c.1855+5C>T on transcript NM_022765.4 (MANE Select); 5 bases into the intron after coding-DNA position 1855, C replaced by T.
Molecular consequence: intron variant.
Genome position (GRCh38, 1-based): chr6:109,448,198, G>A on the plus strand (C>T on the coding strand, the complement: MICAL1 is on the minus strand). VCF-style: chr6-109448198-G-A. GRCh37 (hg19) VCF-style: chr6-109769401-G-A.
Other names: c.1912+5C>T (NM_001286613.2); c.1597+5C>T (NM_001159291.2).
Identifiers: ClinVar variation 1906622 (VCV001906622.5), dbSNP rs777058784, ClinGen allele CA3953203.

ClinVar aggregate classification (germline): Uncertain significance (1 of 4 stars; one submission).

Allele frequency attached by ClinVar (database versions not stated): TOPMed below 0.00001; gnomAD 0.00001; ExAC 0.00002; gnomAD exomes 0.00003.
gnomAD v4.1: 37 of 1,592,402 alleles (0.0023%); highest among the groups gnomAD compares: Non-Finnish European, 0.0031%; no homozygotes.

Submission:

Labcorp Genetics (formerly Invitae), Labcorp
Classification: Uncertain significance. Last evaluated: 2024-10-02. Review status: criteria provided, single submitter. Criteria: Invitae Variant Classification Sherloc (09022015). Collection method: clinical testing. Allele origin: germline.
Comment: This sequence change falls in intron 13 of the MICAL1 gene. It does not directly change the encoded amino acid sequence of the MICAL1 protein. It affects a nucleotide within the consensus splice site. This variant is present in population databases (rs777058784, gnomAD 0.002%). This variant has not been reported in the literature in individuals affected with MICAL1-related conditions. ClinVar contains an entry for this variant (Variation ID: 1906622). Variants that disrupt the consensus splice site are a relatively common cause of aberrant splicing (PMID: 17576681, 9536098). Algorithms developed to predict the effect of sequence changes on RNA splicing suggest that this variant is not likely to affect RNA splicing. In summary, the available evidence is currently insufficient to determine the role of this variant in disease. Therefore, it has been classified as a Variant of Uncertain Significance.

Literature cited by the submitters: PubMed 17576681; PubMed 9536098.